The following is an entry in ClinVar:

NM_003036.4(SKI):c.1439C>G (p.Ser480Trp)

Gene: SKI (SKI proto-oncogene; plus strand). Cytogenetic location: 1p36.32.
Variant type: single nucleotide variant.
Coding change: c.1439C>G on transcript NM_003036.4 (MANE Select); coding-DNA position 1439, C replaced by G.
Protein change: p.Ser480Trp; replaces serine 480 with tryptophan.
Molecular consequence: missense variant.
Genome position (GRCh38, 1-based): chr1:2,304,067, C>G. VCF-style: chr1-2304067-C-G. GRCh37 (hg19) VCF-style: chr1-2235506-C-G.
Other names: short protein forms S480W.
Identifiers: ClinVar variation 3223057 (VCV003223057.1), dbSNP rs367916348, ClinGen allele CA337956756.

ClinVar aggregate classification (germline): Uncertain significance (1 of 4 stars; one submission).

Conditions:
Familial thoracic aortic aneurysm and aortic dissection (TAAD). Also called: Thoracic aortic aneurysms and dissections. Identifiers: Orphanet 91387, MedGen C4707243, MONDO:0019625.

Submission:

Ambry Genetics
Classification: Uncertain significance for Familial thoracic aortic aneurysm and aortic dissection. Last evaluated: 2023-10-06. Review status: criteria provided, single submitter. Criteria: Ambry Variant Classification Scheme 2023. Collection method: clinical testing. Allele origin: germline.
Comment: The p.S480W variant (also known as c.1439C>G), located in coding exon 4 of the SKI gene, results from a C to G substitution at nucleotide position 1439. The serine at codon 480 is replaced by tryptophan, an amino acid with highly dissimilar properties. This amino acid position is conserved. In addition, the in silico prediction for this alteration is inconclusive. Since supporting evidence is limited at this time, the clinical significance of this alteration remains unclear.